The following is an entry in ClinVar:

ClinVar aggregate classification (germline): Pathogenic. Review status: criteria provided, multiple submitters, no conflicts (2 of 4 stars). 2 submissions from 2 submitters: Pathogenic (2). Last evaluated 2025-05-09.

Conditions:
Cardiovascular phenotype. Identifiers: MedGen CN230736.
Hereditary cancer-predisposing syndrome. Also called: Tumor predisposition; Neoplastic Syndromes, Hereditary; Hereditary Cancer Syndrome; Hereditary neoplastic syndrome. Identifiers: Orphanet 140162, MedGen C0027672, MeSH D009386, MONDO:0015356.

Submissions (2):

Labcorp Genetics (formerly Invitae), Labcorp
Classification: Pathogenic. Last evaluated: 2025-05-09. Review status: criteria provided, single submitter. Criteria: Invitae Variant Classification Sherloc (09022015). Collection method: clinical testing. Allele origin: germline.
Comment: This sequence change creates a premature translational stop signal (p.Tyr155Ilefs*14) in the LZTR1 gene. It is expected to result in an absent or disrupted protein product. Loss-of-function variants in LZTR1 are known to be pathogenic (PMID: 24362817, 25335493, 25480913, 25795793, 29469822, 30368668, 30442762, 30442766, 30481304, 30859559). This variant is not present in population databases (gnomAD no frequency). This variant has not been reported in the literature in individuals affected with LZTR1-related conditions. For these reasons, this variant has been classified as Pathogenic.

Ambry Genetics
Classification: Pathogenic for Cardiovascular phenotype; Hereditary cancer-predisposing syndrome. Last evaluated: 2025-01-22. Review status: criteria provided, single submitter. Criteria: Ambry Variant Classification Scheme 2023. Collection method: clinical testing. Allele origin: germline.
Comment: The c.462dupA pathogenic mutation, located in coding exon 5 of the LZTR1 gene, results from a duplication of A at nucleotide position 462, causing a translational frameshift with a predicted alternate stop codon (p.Y155Ifs*14). This alteration is expected to result in loss of function by premature protein truncation or nonsense-mediated mRNA decay. This variant is considered to be rare based on population cohorts in the Genome Aggregation Database (gnomAD). Loss-of-function variants in LZTR1 are related to an increased risk for schwannomas and autosomal recessive Noonan syndrome; however, such associations with autosomal dominant Noonan syndrome have not been observed (Piotrowski A et al. Nat Genet. 2014 Feb;46:182-7; Yamamoto GL et al. J Med Genet. 2015 Jun;52:413-21; Johnston JJ et al. Genet Med. 2018 10;20:1175-1185). Based on the supporting evidence, this variant is pathogenic for an increased risk of LZTR1-related schwannomatosis (SWN) and would be expected to cause autosomal recessive Noonan syndrome when present along with a second pathogenic or likely pathogenic variant on the other allele; however, the association of this alteration with autosomal dominant Noonan syndrome is unlikely.

Literature cited by the submitters: PubMed 24362817 (cited by Labcorp Genetics (formerly Invitae), Labcorp); PubMed 25335493 (cited by Labcorp Genetics (formerly Invitae), Labcorp); PubMed 25480913 (cited by Labcorp Genetics (formerly Invitae), Labcorp); PubMed 25795793 (cited by Labcorp Genetics (formerly Invitae), Labcorp); PubMed 29469822 (cited by Labcorp Genetics (formerly Invitae), Labcorp); PubMed 30368668 (cited by Labcorp Genetics (formerly Invitae), Labcorp); PubMed 30442762 (cited by Labcorp Genetics (formerly Invitae), Labcorp); PubMed 30442766 (cited by Labcorp Genetics (formerly Invitae), Labcorp); PubMed 30481304 (cited by Labcorp Genetics (formerly Invitae), Labcorp); PubMed 30859559 (cited by Labcorp Genetics (formerly Invitae), Labcorp).

NM_006767.4(LZTR1):c.462dup (p.Tyr155fs)

Gene: LZTR1 (leucine zipper like post translational regulator 1; plus strand). Cytogenetic location: 22q11.21.
Variant type: Duplication.
Coding change: c.462dup on transcript NM_006767.4 (MANE Select); coding-DNA position 462, one base duplicated (A; older notation c.462dupA).
Protein change: p.Tyr155fs; shifts the reading frame from tyrosine 155.
Molecular consequence: frameshift variant.
Genome position (GRCh38, 1-based): chr22:20,988,071, A duplicated; the last of 2 consecutive A bases (chr22:20,988,070-20,988,071); duplicating either gives the same sequence. VCF-style (leftmost placement, unchanged base first): chr22-20988069-G-GA. GRCh37 (hg19) VCF-style: chr22-21342358-G-GA.
Other names: short protein forms Y155fs.
Identifiers: ClinVar variation 3869289 (VCV003869289.2).